The following is an entry in ClinVar:

ClinVar aggregate classification (germline): Uncertain significance (1 of 4 stars; one submission).

Submission:

Women's Health and Genetics/Laboratory Corporation of America, LabCorp
Classification: Uncertain significance. Last evaluated: 2025-07-28. Review status: criteria provided, single submitter. Criteria: LabCorp Variant Classification Summary - May 2015. Collection method: clinical testing. Allele origin: germline.
Comment: Variant summary: CD96 c.591+1G>A is located in a canonical splice-site and is predicted to affect mRNA splicing resulting in a significantly altered protein due to either exon skipping, shortening, or inclusion of intronic material. Variants that disrupt the consensus splice site are a relatively common cause of aberrant splicing, however current evidence is not sufficient to establish loss of function as a mechanism for disease. Several computational tools predict a significant impact on normal splicing: Four predict the variant abolishes a 5' splicing donor site. However, these predictions have yet to be confirmed by functional studies. The variant was absent in 251224 control chromosomes. The available data on variant occurrences in the general population are insufficient to allow any conclusion about variant significance. To our knowledge, no occurrence of c.591+1G>A in individuals affected with C Syndrome and no experimental evidence demonstrating its impact on protein function have been reported. No submitters have cited clinical-significance assessments for this variant to ClinVar. Based on the evidence outlined above, the variant was classified as uncertain significance.

NM_005816.5(CD96):c.544-1477G>A

Gene: CD96 (CD96 molecule; plus strand). Cytogenetic location: 3q13.13.
Variant type: single nucleotide variant.
Coding change: c.544-1477G>A on transcript NM_005816.5 (MANE Select); 1477 bases into the intron before coding-DNA position 544, G replaced by A.
Molecular consequence: intron variant. On other transcripts: splice donor variant (1).
Genome position (GRCh38, 1-based): chr3:111,577,550, G>A. VCF-style: chr3-111577550-G-A. GRCh37 (hg19) VCF-style: chr3-111296397-G-A.
Other names: c.591+1G>A (NM_198196.3); c.544-1477G>A (NM_001410800.1, NM_001318889.2).
Identifiers: ClinVar variation 4526164 (VCV004526164.1).